The following is an entry in ClinVar:

NM_000096.4(CP):c.1106del (p.Lys369fs)

Gene: CP (ceruloplasmin; minus strand). Cytogenetic location: 3q25.1.
Variant type: Deletion.
Coding change: c.1106del on transcript NM_000096.4 (MANE Select); coding-DNA position 1106, one base deleted (A; older notation c.1106delA).
Protein change: p.Lys369fs; shifts the reading frame from lysine 369.
Molecular consequence: frameshift variant. On other transcripts: non-coding transcript variant (1).
Genome position (GRCh38, 1-based): chr3:149,206,270, T deleted on the plus strand (A on the coding strand, the reverse complement: CP is on the minus strand); the first of 2 consecutive T bases (chr3:149,206,270-149,206,271); deleting either gives the same sequence. VCF-style (leftmost placement, unchanged base first): chr3-149206269-CT-C. GRCh37 (hg19) VCF-style: chr3-148924056-CT-C.
Other names: short protein forms K369fs.
Identifiers: ClinVar variation 2862930 (VCV002862930.3), dbSNP rs2472840538, ClinGen allele CA2739279567.

ClinVar aggregate classification (germline): Pathogenic (1 of 4 stars; one submission).

Conditions:
Deficiency of ferroxidase (ACEP). Also called: Deficiency of ceruloplasmin; Aceruloplasminemia; Ceruloplasmin deficiency; Familial apoceruloplasmin deficiency; Hereditary ceruloplasmin deficiency; NEURODEGENERATION WITH BRAIN IRON ACCUMULATION 10. Identifiers: Orphanet 48818, MedGen C0878682, MONDO:0011426, OMIM 604290, HP:0025498.

Submission:

Labcorp Genetics (formerly Invitae), Labcorp
Classification: Pathogenic for Deficiency of ferroxidase. Last evaluated: 2023-05-09. Review status: criteria provided, single submitter. Criteria: Invitae Variant Classification Sherloc (09022015). Collection method: clinical testing. Allele origin: germline.
Comment: This sequence change creates a premature translational stop signal (p.Lys369Serfs*22) in the CP gene. It is expected to result in an absent or disrupted protein product. Loss-of-function variants in CP are known to be pathogenic (PMID: 16629161). This variant is not present in population databases (gnomAD no frequency). This variant has not been reported in the literature in individuals affected with CP-related conditions. For these reasons, this variant has been classified as Pathogenic.

Literature cited by the submitters: PubMed 16629161.